The following is an entry in ClinVar:

NM_001122630.2(CDKN1C):c.112C>A (p.Arg38Ser)

Gene: CDKN1C (cyclin dependent kinase inhibitor 1C; minus strand). Cytogenetic location: 11p15.4.
Variant type: single nucleotide variant.
Coding change: c.112C>A on transcript NM_001122630.2 (MANE Select); coding-DNA position 112, C replaced by A.
Protein change: p.Arg38Ser; replaces arginine 38 with serine.
Molecular consequence: missense variant.
Genome position (GRCh38, 1-based): chr11:2,885,345, G>T on the plus strand (C>A on the coding strand, the complement: CDKN1C is on the minus strand). VCF-style: chr11-2885345-G-T. GRCh37 (hg19) VCF-style: chr11-2906575-G-T.
Other names: c.145C>A, p.Arg49Ser (LRG_533t1, NM_000076.2, NM_001362474.2); c.112C>A, p.Arg38Ser (NM_001122631.2, NM_001362475.2); short protein forms R49S, R38S.
Identifiers: ClinVar variation 658784 (VCV000658784.8), dbSNP rs749713233, ClinGen allele CA379147613.

ClinVar aggregate classification (germline): Uncertain significance (1 of 4 stars; one submission).

Conditions:
Beckwith-Wiedemann syndrome (BWS). Also called: Exomphalos macroglossia gigantism syndrome; EMG SYNDROME. Identifiers: Orphanet 116, MedGen C0004903, MONDO:0007534, OMIM 130650.

gnomAD v4.1: 9 of 1,595,444 alleles (0.00056%); highest among the groups gnomAD compares: Non-Finnish European, 0.00077%; no homozygotes.

Submission:

Labcorp Genetics (formerly Invitae), Labcorp
Classification: Uncertain significance for Beckwith-Wiedemann syndrome. Last evaluated: 2023-06-25. Review status: criteria provided, single submitter. Criteria: Invitae Variant Classification Sherloc (09022015). Collection method: clinical testing. Allele origin: germline.
Comment: In summary, the available evidence is currently insufficient to determine the role of this variant in disease. Therefore, it has been classified as a Variant of Uncertain Significance. Advanced modeling of protein sequence and biophysical properties (such as structural, functional, and spatial information, amino acid conservation, physicochemical variation, residue mobility, and thermodynamic stability) performed at Invitae indicates that this missense variant is not expected to disrupt CDKN1C protein function. ClinVar contains an entry for this variant (Variation ID: 658784). This variant has not been reported in the literature in individuals affected with CDKN1C-related conditions. The frequency data for this variant in the population databases is considered unreliable, as metrics indicate poor data quality at this position in the gnomAD database. This sequence change replaces arginine, which is basic and polar, with serine, which is neutral and polar, at codon 49 of the CDKN1C protein (p.Arg49Ser).